The following is an entry in ClinVar:

ClinVar aggregate classification (germline): Conflicting classifications of pathogenicity. Review status: criteria provided, conflicting classifications (1 of 4 stars). 5 submissions from 5 submitters: Uncertain significance (3); Likely benign (2). Last evaluated 2026-08-04.

Conditions:
LRP2-related disorder. Also called: LRP2-related condition.
Donnai-Barrow syndrome. Also called: DBS/FOAR SYNDROME; FACIOOCULOACOUSTICORENAL SYNDROME. Identifiers: Orphanet 2143, MedGen C1857277, MONDO:0009104, OMIM 222448.

Allele frequency attached by ClinVar (database versions not stated): ExAC 0.00002; gnomAD exomes 0.00002; TOPMed 0.00004; ESP Exome Variant Server 0.00008.
gnomAD v4.1: 51 of 1,613,690 alleles (0.0032%); highest among the groups gnomAD compares: Non-Finnish European, 0.0041%; no homozygotes.

Submissions (5):

PreventionGenetics, part of Exact Sciences
Classification: Likely benign for LRP2-related condition. Last evaluated: 2026-08-04. Review status: criteria provided, single submitter. Criteria: ACMG Guidelines, 2015. Collection method: clinical testing. Allele origin: germline.
Comment: This variant is classified as likely benign based on ACMG/AMP sequence variant interpretation guidelines (Richards et al. 2015 PMID: 25741868, with internal and published modifications).

Blueprint Genetics
Classification: Likely benign. Last evaluated: 2023-05-15. Review status: criteria provided, single submitter. Criteria: ACMG Guidelines, 2015. Collection method: clinical testing. Allele origin: germline.

Labcorp Genetics (formerly Invitae), Labcorp
Classification: Uncertain significance. Last evaluated: 2022-04-28. Review status: criteria provided, single submitter. Criteria: Invitae Variant Classification Sherloc (09022015). Collection method: clinical testing. Allele origin: germline.
Comment: This sequence change falls in intron 48 of the LRP2 gene. It does not directly change the encoded amino acid sequence of the LRP2 protein. It affects a nucleotide within the consensus splice site. This variant is present in population databases (rs368040043, gnomAD 0.004%). This variant has not been reported in the literature in individuals affected with LRP2-related conditions. ClinVar contains an entry for this variant (Variation ID: 894676). Variants that disrupt the consensus splice site are a relatively common cause of aberrant splicing (PMID: 17576681, 9536098). Algorithms developed to predict the effect of sequence changes on RNA splicing suggest that this variant is not likely to affect RNA splicing. In summary, the available evidence is currently insufficient to determine the role of this variant in disease. Therefore, it has been classified as a Variant of Uncertain Significance.

Fulgent Genetics
Classification: Uncertain significance for Donnai-Barrow syndrome. Last evaluated: 2022-03-23. Review status: criteria provided, single submitter. Criteria: ACMG Guidelines, 2015. Collection method: clinical testing. Allele origin: unknown.

Illumina Laboratory Services, Illumina
Classification: Uncertain significance for Donnai-Barrow syndrome. Last evaluated: 2018-01-13. Review status: criteria provided, single submitter. Criteria: ICSL Variant Classification Criteria 13 December 2019. Collection method: clinical testing. Allele origin: germline.

Literature cited by the submitters: PubMed 17576681 (cited by Labcorp Genetics (formerly Invitae), Labcorp); PubMed 9536098 (cited by Labcorp Genetics (formerly Invitae), Labcorp).

NM_004525.3(LRP2):c.9032+6T>G

Gene: LRP2 (LDL receptor related protein 2; minus strand). Cytogenetic location: 2q31.1.
Variant type: single nucleotide variant.
Coding change: c.9032+6T>G on transcript NM_004525.3 (MANE Select); 6 bases into the intron after coding-DNA position 9032, T replaced by G.
Molecular consequence: intron variant.
Genome position (GRCh38, 1-based): chr2:169,191,826, A>C on the plus strand (T>G on the coding strand, the complement: LRP2 is on the minus strand). VCF-style: chr2-169191826-A-C. GRCh37 (hg19) VCF-style: chr2-170048336-A-C.
Identifiers: ClinVar variation 894676 (VCV000894676.9), dbSNP rs368040043, ClinGen allele CA1953700.